The following is an entry in ClinVar:

NM_006019.4(TCIRG1):c.1843C>A (p.Leu615Ile)

Gene: TCIRG1 (T cell immune regulator 1, ATPase H+ transporting V0 subunit a3; plus strand). Cytogenetic location: 11q13.2.
Variant type: single nucleotide variant.
Coding change: c.1843C>A on transcript NM_006019.4 (MANE Select); coding-DNA position 1843, C replaced by A.
Protein change: p.Leu615Ile; replaces leucine 615 with isoleucine.
Molecular consequence: missense variant.
Genome position (GRCh38, 1-based): chr11:68,049,250, C>A. VCF-style: chr11-68049250-C-A. GRCh37 (hg19) VCF-style: chr11-67816717-C-A.
Other names: c.1843C>A (NM_006019.3); c.949C>A, p.Leu317Ile (NM_001351059.2); c.1195C>A, p.Leu399Ile (NM_006053.4); short protein forms L317I, L399I, L615I.
Identifiers: ClinVar variation 991503 (VCV000991503.7), dbSNP rs753897523, ClinGen allele CA6147278.
Genomic context (GRCh38, chr11:68,049,250, plus strand): 5'-GTCTGGGCTGCCAGGGCCGCCTCGGCCCCCAGCATCCTCATCCACTTCATCAACATGTTC[C>A]TCTTCTCCCACAGCCCCAGCAACAGGCTGCTCTACCCCCGGCAGGTGGGCTGCGGCTGGT-3'
Protein context (NP_006010.2, residues 605-625): SILIHFINMF[Leu615Ile]FSHSPSNRLL

ClinVar aggregate classification (germline): Uncertain significance. Review status: criteria provided, multiple submitters, no conflicts (2 of 4 stars). 3 submissions from 3 submitters: Uncertain significance (2). 1 of the submissions does not count toward it. Last evaluated 2025-06-10.

Conditions:
Inborn genetic diseases. Identifiers: MedGen C0950123, MeSH D030342.
Autosomal recessive osteopetrosis 1. Also called: ALBERS-SCHONBERG DISEASE, AUTOSOMAL RECESSIVE; TCIRG1-Related Osteopetrosis; TCIRG1-Related Autosomal Recessive Osteopetrosis. Identifiers: Orphanet 667, MedGen C1850127, MONDO:0009815, OMIM 259700.

Allele frequency attached by ClinVar (database versions not stated): ExAC 0.00002; gnomAD exomes 0.00002; gnomAD 0.00003; TOPMed 0.00006.
gnomAD v4.1: 42 of 1,613,406 alleles (0.0026%); highest among the groups gnomAD compares: Non-Finnish European, 0.0033%; no homozygotes.

Submissions (3):

Labcorp Genetics (formerly Invitae), Labcorp
Classification: Uncertain significance. Last evaluated: 2025-06-10. Review status: criteria provided, single submitter. Criteria: Invitae Variant Classification Sherloc (09022015). Collection method: clinical testing. Allele origin: germline.
Comment: This sequence change replaces leucine, which is neutral and non-polar, with isoleucine, which is neutral and non-polar, at codon 615 of the TCIRG1 protein (p.Leu615Ile). This variant is present in population databases (rs753897523, gnomAD 0.003%). This variant has not been reported in the literature in individuals affected with TCIRG1-related conditions. ClinVar contains an entry for this variant (Variation ID: 991503). Invitae Evidence Modeling of protein sequence and biophysical properties (such as structural, functional, and spatial information, amino acid conservation, physicochemical variation, residue mobility, and thermodynamic stability) indicates that this missense variant is not expected to disrupt TCIRG1 protein function with a negative predictive value of 80%. In summary, the available evidence is currently insufficient to determine the role of this variant in disease. Therefore, it has been classified as a Variant of Uncertain Significance.

Ambry Genetics
Classification: Uncertain significance for Inborn genetic diseases. Last evaluated: 2025-02-22. Review status: criteria provided, single submitter. Criteria: Ambry Variant Classification Scheme 2023. Collection method: clinical testing. Allele origin: germline.

Natera, Inc.
Classification: Uncertain significance for Infantile malignant osteopetrosis. Last evaluated: 2020-04-16. Review status: no assertion criteria provided. Collection method: clinical testing. Allele origin: germline. Not counted in ClinVar's aggregate classification.